The following is an entry in ClinVar:

ClinVar aggregate classification (germline): Uncertain significance. Review status: criteria provided, multiple submitters, no conflicts (2 of 4 stars). 4 submissions from 4 submitters: Uncertain significance (4). Last evaluated 2026-03-27.

Conditions:
Cardiovascular phenotype. Identifiers: MedGen CN230736.
Dilated cardiomyopathy 1AA (CMD1AA). Also called: CARDIOMYOPATHY, DILATED, 1AA, WITH OR WITHOUT LEFT VENTRICULAR NONCOMPACTION; CARDIOMYOPATHY, FAMILIAL HYPERTROPHIC, 23, WITH OR WITHOUT LEFT VENTRICULAR NONCOMPACTION; Cardiomyopathy, dilated, 1AA, with or without LVNC. Identifiers: Orphanet 154, MedGen C2677338, MONDO:0012808, OMIM 612158.
Primary familial hypertrophic cardiomyopathy (HCM). Identifiers: Orphanet 99739, MedGen C0949658, MeSH D024741, MONDO:0024573. Inheritance: Various modes of inheritance.

Submissions (4):

Molecular Diagnostic Laboratory for Inherited Cardiovascular Disease, Montreal Heart Institute
Classification: Uncertain significance for Cardiovascular phenotype. Last evaluated: 2026-03-27. Review status: criteria provided, single submitter. Criteria: ACMG Guidelines, 2015. Collection method: clinical testing. Allele origin: germline. Affected: yes.
Comment: PVS1_mod, PM2

Labcorp Genetics (formerly Invitae), Labcorp
Classification: Uncertain significance for Primary familial hypertrophic cardiomyopathy; Dilated cardiomyopathy 1AA. Last evaluated: 2025-08-20. Review status: criteria provided, single submitter. Criteria: Invitae Variant Classification Sherloc (09022015). Collection method: clinical testing. Allele origin: germline.
Comment: This sequence change creates a premature translational stop signal (p.Glu829*) in the ACTN2 gene. While this is not anticipated to result in nonsense mediated decay, it is expected to disrupt the last 66 amino acid(s) of the ACTN2 protein. This variant is not present in population databases (gnomAD no frequency). This variant has not been reported in the literature in individuals affected with ACTN2-related conditions. ClinVar contains an entry for this variant (Variation ID: 520508). Experimental studies and prediction algorithms are not available or were not evaluated, and the functional significance of this variant is currently unknown. In summary, the available evidence is currently insufficient to determine the role of this variant in disease. Therefore, it has been classified as a Variant of Uncertain Significance.

Ambry Genetics
Classification: Uncertain significance for Cardiovascular phenotype. Last evaluated: 2025-02-19. Review status: criteria provided, single submitter. Criteria: Ambry Variant Classification Scheme 2023. Collection method: clinical testing. Allele origin: germline.
Comment: The p.E829* variant (also known as c.2485G>T), located in coding exon 20 of the ACTN2 gene, results from a G to T substitution at nucleotide position 2485. This changes the amino acid from a glutamic acid to a stop codon within coding exon 20. This variant was reported in individual(s) with features consistent with hypertrophic cardiomyopathy (Ambry internal data). Premature stop codons are typically deleterious in nature; however, this stop codon occurs at the 3' terminus of ACTN2, is not expected to trigger nonsense-mediated mRNA decay, and impacts only the last 66 amino acids of the protein. The exact functional impact of these removed amino acids is unknown at this time. Since supporting evidence is limited at this time, the clinical significance of this alteration remains unclear.

Blueprint Genetics
Classification: Uncertain significance. Last evaluated: 2020-10-28. Review status: criteria provided, single submitter. Criteria: ACMG Guidelines, 2015. Collection method: clinical testing. Allele origin: germline.

NM_001103.4(ACTN2):c.2485G>T (p.Glu829Ter)

Gene: ACTN2 (actinin alpha 2; plus strand). Cytogenetic location: 1q43.
Variant type: single nucleotide variant.
Coding change: c.2485G>T on transcript NM_001103.4 (MANE Select); coding-DNA position 2485, G replaced by T.
Protein change: p.Glu829Ter; replaces glutamic acid 829 with a stop codon.
Molecular consequence: nonsense.
Genome position (GRCh38, 1-based): chr1:236,761,132, G>T. VCF-style: chr1-236761132-G-T. GRCh37 (hg19) VCF-style: chr1-236924432-G-T.
Other names: c.2485G>T, p.Glu829Ter (NM_001278343.2); c.1861G>T, p.Glu621Ter (NM_001278344.2); short protein forms E829*, E621*.
Identifiers: ClinVar variation 520508 (VCV000520508.13), dbSNP rs770335717, ClinGen allele CA345391526.